The following is an entry in ClinVar:

NM_016222.4(DDX41):c.1233G>A (p.Glu411=)

Gene: DDX41 (DEAD-box helicase 41; minus strand). Cytogenetic location: 5q35.3.
Variant type: single nucleotide variant.
Coding change: c.1233G>A on transcript NM_016222.4 (MANE Select); coding-DNA position 1233, G replaced by A.
Protein change: p.Glu411=; no amino-acid change (glutamic acid 411 retained).
Molecular consequence: synonymous variant.
Genome position (GRCh38, 1-based): chr5:177,513,080, C>T on the plus strand (G>A on the coding strand, the complement: DDX41 is on the minus strand). VCF-style: chr5-177513080-C-T. GRCh37 (hg19) VCF-style: chr5-176940081-C-T.
Other names: p.Glu411=; c.1233G>A, p.Glu411= (LRG_1386t1); c.855G>A, p.Glu285= (NM_001321732.2, NM_001321830.2).
Identifiers: ClinVar variation 434914 (VCV000434914.16), dbSNP rs147023941, ClinGen allele CA3584834.
Genomic context (GRCh38, chr5:177,513,080, plus strand): 5'-TGTCTTCTGCAGGCACTCGAGCAGGTACACCATCTTGGCCTCCTCCTTCACATATTCTAC[C>T]TCCTGCCACCACAAAGATCAGGTCAGGTGATCTTGAGATTAGGCTTACCCGCCACAGCCC-3'
Protein context (NP_057306.2, residues 401-421): AGAASLDVIQ[Glu411=]VEYVKEEAKM

ClinVar aggregate classification (germline): Benign/Likely benign. Review status: criteria provided, multiple submitters, no conflicts (2 of 4 stars). 6 submissions from 6 submitters: Benign (2); Likely benign (4). Last evaluated 2026-02-02.

Conditions:
Inborn genetic diseases. Identifiers: MedGen C0950123, MeSH D030342.

Allele frequency attached by ClinVar (database versions not stated): gnomAD 0.00140 and 0.00148; TOPMed 0.00145; ExAC 0.00189; ESP Exome Variant Server 0.00215; gnomAD exomes 0.00218 and 0.00101.
gnomAD v4.1: 1,850 of 1,613,452 alleles (0.11%); highest among the groups gnomAD compares: Non-Finnish European, 0.024%; 32 homozygotes.

Submissions (6):

Labcorp Genetics (formerly Invitae), Labcorp
Classification: Benign. Last evaluated: 2026-02-02. Review status: criteria provided, single submitter. Criteria: Invitae Variant Classification Sherloc (09022015). Collection method: clinical testing. Allele origin: germline.

Mayo Clinic Laboratories, Mayo Clinic
Classification: Likely benign. Last evaluated: 2025-09-17. Review status: criteria provided, single submitter. Criteria: ACMG Guidelines, 2015. Collection method: clinical testing. Allele origin: germline. Observed: 1 variant allele.
Comment: BS1, BP4, BP7

Ambry Genetics
Classification: Likely benign for Inborn genetic diseases. Last evaluated: 2024-08-21. Review status: criteria provided, single submitter. Criteria: Ambry Variant Classification Scheme 2023. Collection method: clinical testing. Allele origin: germline.

GeneDx
Classification: Likely benign. Last evaluated: 2020-12-04. Review status: criteria provided, single submitter. Criteria: GeneDx Variant Classification Process June 2021. Collection method: clinical testing. Allele origin: germline. Affected: yes.

Genetic Services Laboratory, University of Chicago
Classification: Benign. Last evaluated: 2019-01-09. Review status: criteria provided, single submitter. Criteria: ACMG Guidelines, 2015. Collection method: clinical testing. Allele origin: germline. Affected: no.

Breakthrough Genomics
Classification: Likely benign. Review status: criteria provided, single submitter. Criteria: ACMG Guidelines, 2015. Collection method: not provided. Allele origin: germline. Inheritance: Autosomal dominant inheritance. Affected: yes.